The following is an entry in ClinVar:

NM_002900.3(RBP3):c.1118A>G (p.Asn373Ser)

Gene: RBP3 (retinol binding protein 3; plus strand). Cytogenetic location: 10q11.22.
Variant type: single nucleotide variant.
Coding change: c.1118A>G on transcript NM_002900.3 (MANE Select); coding-DNA position 1118, A replaced by G.
Protein change: p.Asn373Ser; replaces asparagine 373 with serine.
Molecular consequence: missense variant.
Genome position (GRCh38, 1-based): chr10:47,349,602, A>G. VCF-style: chr10-47349602-A-G. GRCh37 (hg19) VCF-style: chr10-48389760-T-C.
Other names: short protein forms N373S.
Identifiers: ClinVar variation 1524345 (VCV001524345.8), dbSNP rs782140996, ClinGen allele CA5487602.
Genomic context (GRCh38, chr10:47,349,602, plus strand): 5'-ACTTGGCCAGCATGGACTTCTCCACGGTGGTCTCCGAGGAAGATCTGGTCACCAAGCTCA[A>G]TGCCGGCCTGCAGGCTGCGTCTGAGGATCCCAGGCTCCTGGTGCGAGCCATCGGGCCCAC-3'
Protein context (NP_002891.1, residues 363-383): VSEEDLVTKL[Asn373Ser]AGLQAASEDP

ClinVar aggregate classification (germline): Uncertain significance (1 of 4 stars; one submission).

Allele frequency attached by ClinVar (database versions not stated): gnomAD exomes below 0.00001 and 0.00001; ExAC 0.00001.
gnomAD v4.1: 1 of 1,612,866 alleles (0.000062%); highest among the groups gnomAD compares: Admixed American, 0.0017%; no homozygotes.

Submission:

Labcorp Genetics (formerly Invitae), Labcorp
Classification: Uncertain significance. Last evaluated: 2021-07-20. Review status: criteria provided, single submitter. Criteria: Invitae Variant Classification Sherloc (09022015). Collection method: clinical testing. Allele origin: germline.
Comment: In summary, the available evidence is currently insufficient to determine the role of this variant in disease. Therefore, it has been classified as a Variant of Uncertain Significance. Algorithms developed to predict the effect of missense changes on protein structure and function output the following: SIFT: "Deleterious"; PolyPhen-2: "Possibly Damaging"; Align-GVGD: "Class C0". The serine amino acid residue is found in multiple mammalian species, which suggests that this missense change does not adversely affect protein function. This variant has not been reported in the literature in individuals affected with RBP3-related conditions. This variant is present in population databases (rs782140996, ExAC 0.009%). This sequence change replaces asparagine with serine at codon 373 of the RBP3 protein (p.Asn373Ser). The asparagine residue is highly conserved and there is a small physicochemical difference between asparagine and serine.